The following is an entry in ClinVar:

NM_001077365.2(POMT1):c.1507G>A (p.Glu503Lys)

Gene: POMT1 (protein O-mannosyltransferase 1; plus strand). Cytogenetic location: 9q34.13.
Variant type: single nucleotide variant.
Coding change: c.1507G>A on transcript NM_001077365.2 (MANE Select); coding-DNA position 1507, G replaced by A.
Protein change: p.Glu503Lys; replaces glutamic acid 503 with lysine.
Molecular consequence: missense variant. On other transcripts: non-coding transcript variant (10), intron variant (1).
Genome position (GRCh38, 1-based): chr9:131,519,409, G>A. VCF-style: chr9-131519409-G-A. GRCh37 (hg19) VCF-style: chr9-134394796-G-A.
Other names: c.1345G>A, p.Glu449Lys (NM_001077366.2, NM_001353194.2); c.1507G>A, p.Glu503Lys (NM_001136113.2); c.1156G>A, p.Glu386Lys (NM_001136114.2, NM_001353195.2, NM_001374691.1 and 2 more transcripts); c.1573G>A, p.Glu525Lys (NM_001353193.2, NM_007171.4); c.1417G>A, p.Glu473Lys (NM_001353196.2); c.1411G>A, p.Glu471Lys (NM_001353197.2, NM_001353198.2); c.1222G>A, p.Glu408Lys (NM_001353199.2); c.1051G>A, p.Glu351Lys (NM_001353200.2); and 3 more; short protein forms E351K, E373K, E386K, E408K, E449K, E471K, E473K, E499K.
Identifiers: ClinVar variation 1062094 (VCV001062094.9), dbSNP rs2131866665, ClinGen allele CA375312712.

ClinVar aggregate classification (germline): Uncertain significance (1 of 4 stars; one submission).

Conditions:
Muscular dystrophy-dystroglycanopathy (congenital with impaired intellectual development), type B, 1. Also called: MUSCULAR DYSTROPHY, CONGENITAL, POMT1-RELATED; Muscular dystrophy-dystroglycanopathy (congenital with intellectual disability), type B1. Identifiers: MedGen C5436962, MONDO:0013159, OMIM 613155.
Autosomal recessive limb-girdle muscular dystrophy type 2K. Also called: MUSCULAR DYSTROPHY-DYSTROGLYCANOPATHY (LIMB-GIRDLE), TYPE C, 1; MUSCULAR DYSTROPHY, LIMB-GIRDLE, TYPE 2K. Identifiers: Orphanet 86812, MedGen C1836373, MONDO:0012248, OMIM 609308.
Walker-Warburg congenital muscular dystrophy. Also called: Muscular dystrophy-dystroglycanopathy, type A; Walker-Warburg syndrome. Identifiers: Orphanet 899, MedGen C0265221, MONDO:0000171.

Submission:

Labcorp Genetics (formerly Invitae), Labcorp
Classification: Uncertain significance for Muscular dystrophy-dystroglycanopathy (congenital with impaired intellectual development), type B, 1; Walker-Warburg congenital muscular dystrophy; Autosomal recessive limb-girdle muscular dystrophy type 2K. Last evaluated: 2022-08-09. Review status: criteria provided, single submitter. Criteria: Invitae Variant Classification Sherloc (09022015). Collection method: clinical testing. Allele origin: germline.
Comment: Algorithms developed to predict the effect of missense changes on protein structure and function are either unavailable or do not agree on the potential impact of this missense change (SIFT: "Tolerated"; PolyPhen-2: "Possibly Damaging"; Align-GVGD: "Class C0"). In summary, the available evidence is currently insufficient to determine the role of this variant in disease. Therefore, it has been classified as a Variant of Uncertain Significance. ClinVar contains an entry for this variant (Variation ID: 1062094). This variant has not been reported in the literature in individuals affected with POMT1-related conditions. This variant is not present in population databases (gnomAD no frequency). This sequence change replaces glutamic acid, which is acidic and polar, with lysine, which is basic and polar, at codon 525 of the POMT1 protein (p.Glu525Lys).